The following is an entry in ClinVar:

NM_001378454.1(ALMS1):c.4795A>G (p.Ile1599Val)

Gene: ALMS1 (ALMS1 centrosome and basal body associated protein; plus strand). Cytogenetic location: 2p13.1.
Variant type: single nucleotide variant.
Coding change: c.4795A>G on transcript NM_001378454.1 (MANE Select); coding-DNA position 4795, A replaced by G.
Protein change: p.Ile1599Val; replaces isoleucine 1599 with valine.
Molecular consequence: missense variant.
Genome position (GRCh38, 1-based): chr2:73,451,322, A>G. VCF-style: chr2-73451322-A-G. GRCh37 (hg19) VCF-style: chr2-73678449-A-G.
Other names: c.4798A>G, p.Ile1600Val (NM_015120.4); short protein forms I1600V, I1599V.
Identifiers: ClinVar variation 565607 (VCV000565607.12), dbSNP rs377671796, ClinGen allele CA1713767.

ClinVar aggregate classification (germline): Conflicting classifications of pathogenicity. Review status: criteria provided, conflicting classifications (1 of 4 stars). 7 submissions from 7 submitters: Uncertain significance (4); Likely benign (2). 1 of the submissions does not count toward it. Last evaluated 2026-05-21.

Conditions:
Cardiovascular phenotype. Identifiers: MedGen CN230736.
Alstrom syndrome (ALMS). Identifiers: Orphanet 64, MedGen C0268425, MONDO:0008763, OMIM 203800.

Allele frequency attached by ClinVar (database versions not stated): gnomAD exomes 0.00001 and 0.00003; ExAC 0.00002; gnomAD 0.00002 and 0.00004; TOPMed 0.00005.
gnomAD v4.1: 47 of 1,613,660 alleles (0.0029%); highest among the groups gnomAD compares: East Asian, 0.0089%; 2 homozygotes.

Submissions (7):

GeneDx
Classification: Uncertain significance. Last evaluated: 2026-05-21. Review status: criteria provided, single submitter. Criteria: GeneDx Variant Classification Process June 2021. Collection method: clinical testing. Allele origin: germline.
Comment: Reported without a second ALMS1 variant in an individual with retinitis pigmentosa in published literature who also harbored multiple variants in other genes (PMID: 39328826); In silico analysis suggests that this missense variant does not alter protein structure/function; This variant is associated with the following publications: (PMID: 39328826)

Clinical Genomics Laboratory, Stanford Medicine
Classification: Likely benign. Last evaluated: 2025-07-01. Review status: criteria provided, single submitter. Criteria: ACMG Guidelines, 2015. Collection method: clinical testing. Allele origin: germline. Observed: 1 variant allele, 1 heterozygote.
Comment: Since the original reporting of this variant, updated population data indicates that this variant is present in the population at an allele frequency higher than expected for a pathogenic variant. This variant has been identified in 47/1,613,660 chromosomes, including 2 homozygous occurrences, by the Genome Aggregation Database v4.1.0. This additional information provides sufficient evidence to update the classification of the ALMS1 variant to likely benign.

Blueprint Genetics
Classification: Uncertain significance. Last evaluated: 2024-05-21. Review status: criteria provided, single submitter. Criteria: ACMG Guidelines, 2015. Collection method: clinical testing. Allele origin: germline.

Ambry Genetics
Classification: Likely benign for Cardiovascular phenotype. Last evaluated: 2023-11-22. Review status: criteria provided, single submitter. Criteria: Ambry Variant Classification Scheme 2023. Collection method: clinical testing. Allele origin: germline.

Labcorp Genetics (formerly Invitae), Labcorp
Classification: Uncertain significance for Alstrom syndrome. Last evaluated: 2022-09-13. Review status: criteria provided, single submitter. Criteria: Invitae Variant Classification Sherloc (09022015). Collection method: clinical testing. Allele origin: germline.
Comment: This sequence change replaces isoleucine, which is neutral and non-polar, with valine, which is neutral and non-polar, at codon 1600 of the ALMS1 protein (p.Ile1600Val). This variant is present in population databases (rs377671796, gnomAD 0.03%). This variant has not been reported in the literature in individuals affected with ALMS1-related conditions. ClinVar contains an entry for this variant (Variation ID: 565607). Algorithms developed to predict the effect of missense changes on protein structure and function output the following: SIFT: "Not Available"; PolyPhen-2: "Not Available"; Align-GVGD: "Not Available". The valine amino acid residue is found in multiple mammalian species, which suggests that this missense change does not adversely affect protein function. In summary, the available evidence is currently insufficient to determine the role of this variant in disease. Therefore, it has been classified as a Variant of Uncertain Significance.

Fulgent Genetics
Classification: Uncertain significance for Alstrom syndrome. Last evaluated: 2022-01-18. Review status: criteria provided, single submitter. Criteria: ACMG Guidelines, 2015. Collection method: clinical testing. Allele origin: unknown.

Natera, Inc.
Classification: Uncertain significance for Alstrom syndrome. Last evaluated: 2020-01-24. Review status: no assertion criteria provided. Collection method: clinical testing. Allele origin: germline. Not counted in ClinVar's aggregate classification.